The following is an entry in ClinVar:

ClinVar aggregate classification (germline): Pathogenic (1 of 4 stars; one submission).

Submission:

GeneDx
Classification: Pathogenic. Last evaluated: 2021-01-06. Review status: criteria provided, single submitter. Criteria: GeneDx Variant Classification Process June 2021. Collection method: clinical testing. Allele origin: germline. Affected: yes.
Comment: Nonsense variant predicted to result in protein truncation or nonsense mediated decay in a gene for which loss-of-function is a known mechanism of disease; Has not been previously published as pathogenic or benign to our knowledge; Not observed in large population cohorts (Lek 2016); Truncating variants in this gene are considered pathogenic by a well-established clinical consortium and/or database; Also known as 2712T>A

NM_000059.4(BRCA2):c.2484T>A (p.Tyr828Ter)

Gene: BRCA2 (BRCA2 DNA repair associated; plus strand). Cytogenetic location: 13q13.1.
Variant type: single nucleotide variant.
Coding change: c.2484T>A on transcript NM_000059.4 (MANE Select); coding-DNA position 2484, T replaced by A.
Protein change: p.Tyr828Ter; replaces tyrosine 828 with a stop codon.
Molecular consequence: nonsense.
Genome position (GRCh38, 1-based): chr13:32,336,839, T>A. VCF-style: chr13-32336839-T-A. GRCh37 (hg19) VCF-style: chr13-32910976-T-A.
Other names: short protein forms Y828*.
Identifiers: ClinVar variation 1187525 (VCV001187525.2), dbSNP rs45619134, ClinGen allele CA387772392.